The following is an entry in ClinVar:

ClinVar aggregate classification (germline): Uncertain significance (1 of 4 stars; one submission).

Allele frequency attached by ClinVar (database versions not stated): ExAC 0.00001; gnomAD exomes 0.00001.
gnomAD v4.1: 2 of 1,613,642 alleles (0.00012%); highest among the groups gnomAD compares: Middle Eastern, 0.016%; no homozygotes.

Submission:

Labcorp Genetics (formerly Invitae), Labcorp
Classification: Uncertain significance. Last evaluated: 2025-04-16. Review status: criteria provided, single submitter. Criteria: Invitae Variant Classification Sherloc (09022015). Collection method: clinical testing. Allele origin: germline.
Comment: This sequence change replaces isoleucine, which is neutral and non-polar, with leucine, which is neutral and non-polar, at codon 1093 of the LRP5 protein (p.Ile1093Leu). This variant is present in population databases (rs780548194, gnomAD 0.002%). This variant has not been reported in the literature in individuals affected with LRP5-related conditions. ClinVar contains an entry for this variant (Variation ID: 1525806). Invitae Evidence Modeling of protein sequence and biophysical properties (such as structural, functional, and spatial information, amino acid conservation, physicochemical variation, residue mobility, and thermodynamic stability) has been performed for this missense variant. However, the output from this modeling did not meet the statistical confidence thresholds required to predict the impact of this variant on LRP5 protein function. In summary, the available evidence is currently insufficient to determine the role of this variant in disease. Therefore, it has been classified as a Variant of Uncertain Significance.

NM_002335.4(LRP5):c.3277A>C (p.Ile1093Leu)

Gene: LRP5 (LDL receptor related protein 5; plus strand). Cytogenetic location: 11q13.2.
Variant type: single nucleotide variant.
Coding change: c.3277A>C on transcript NM_002335.4 (MANE Select); coding-DNA position 3277, A replaced by C.
Protein change: p.Ile1093Leu; replaces isoleucine 1093 with leucine.
Molecular consequence: missense variant.
Genome position (GRCh38, 1-based): chr11:68,425,142, A>C. VCF-style: chr11-68425142-A-C. GRCh37 (hg19) VCF-style: chr11-68192610-A-C.
Other names: c.1534A>C, p.Ile512Leu (NM_001291902.2); short protein forms I512L, I1093L.
Identifiers: ClinVar variation 1525806 (VCV001525806.6), dbSNP rs780548194, ClinGen allele CA6149932.